The following is an entry in ClinVar:

ClinVar aggregate classification (germline): Benign/Likely benign. Review status: criteria provided, multiple submitters, no conflicts (2 of 4 stars). 4 submissions from 4 submitters: Benign (1); Likely benign (2). 1 of the submissions does not count toward it. Last evaluated 2026-02-01.

Conditions:
PAX1-related disorder. Also called: PAX1-related condition.

Allele frequency attached by ClinVar (database versions not stated): 1000 Genomes Project 30x 0.00500; ExAC 0.00534; 1000 Genomes Project 0.00579; ESP Exome Variant Server 0.00185; TOPMed 0.00241; gnomAD 0.00257 and 0.00301; gnomAD exomes 0.00383 and 0.00472.
gnomAD v4.1: 6,069 of 1,605,734 alleles (0.38%); highest among the groups gnomAD compares: South Asian, 1.6%; 36 homozygotes.

Submissions (4):

Labcorp Genetics (formerly Invitae), Labcorp
Classification: Benign. Last evaluated: 2026-02-01. Review status: criteria provided, single submitter. Criteria: Invitae Variant Classification Sherloc (09022015). Collection method: clinical testing. Allele origin: germline.

Center for Pediatric Genomic Medicine, Children's Mercy Hospital and Clinics
Classification: Likely benign. Last evaluated: 2016-11-07. Review status: criteria provided, single submitter. Criteria: ACMG Guidelines, 2015. Collection method: clinical testing. Allele origin: germline.
ClinVar note: Converted during submission from Likely Benign to Likely benign.

Breakthrough Genomics
Classification: Likely benign. Review status: criteria provided, single submitter. Criteria: ACMG Guidelines, 2015. Collection method: not provided. Allele origin: germline. Inheritance: Autosomal recessive inheritance. Affected: yes.

PreventionGenetics, part of Exact Sciences
Classification: Benign for PAX1-related condition. Last evaluated: 2019-06-10. Review status: no assertion criteria provided. Collection method: clinical testing. Allele origin: germline. Not counted in ClinVar's aggregate classification.
Comment: This variant is classified as benign based on ACMG/AMP sequence variant interpretation guidelines (Richards et al. 2015 PMID: 25741868, with internal and published modifications).

NM_001257096.2(PAX1):c.*156C>T

Gene: PAX1 (paired box 1; plus strand). Cytogenetic location: 20p11.22.
Variant type: single nucleotide variant.
Coding change: c.*156C>T on transcript NM_001257096.2 (MANE Select); 156 bases downstream of the stop codon, C replaced by T.
Molecular consequence: 3 prime UTR variant. On other transcripts: missense variant (1).
Genome position (GRCh38, 1-based): chr20:21,714,718, C>T. VCF-style: chr20-21714718-C-T. GRCh37 (hg19) VCF-style: chr20-21695356-C-T.
Other names: c.1520C>T, p.Pro507Leu (NM_006192.5); short protein forms P507L.
Identifiers: ClinVar variation 377263 (VCV000377263.17), dbSNP rs138641387, ClinGen allele CA9786818.